The following is an entry in ClinVar:

NM_020247.5(COQ8A):c.415G>T (p.Gly139Cys)

Gene: COQ8A (coenzyme Q8A; plus strand). Cytogenetic location: 1q42.13.
Variant type: single nucleotide variant.
Coding change: c.415G>T on transcript NM_020247.5 (MANE Select); coding-DNA position 415, G replaced by T.
Protein change: p.Gly139Cys; replaces glycine 139 with cysteine.
Molecular consequence: missense variant.
Genome position (GRCh38, 1-based): chr1:226,965,237, G>T. VCF-style: chr1-226965237-G-T. GRCh37 (hg19) VCF-style: chr1-227152938-G-T.
Other names: short protein forms G139C.
Identifiers: ClinVar variation 1964562 (VCV001964562.5), dbSNP rs1426470032, ClinGen allele CA345050303.

ClinVar aggregate classification (germline): Uncertain significance (1 of 4 stars; one submission).

Allele frequency attached by ClinVar (database versions not stated): gnomAD 0.00001; TOPMed 0.00002.
gnomAD v4.1: 1 of 1,613,920 alleles (0.000062%); highest among the groups gnomAD compares: Admixed American, 0.0017%; no homozygotes.

Submission:

Labcorp Genetics (formerly Invitae), Labcorp
Classification: Uncertain significance. Last evaluated: 2022-05-06. Review status: criteria provided, single submitter. Criteria: Invitae Variant Classification Sherloc (09022015). Collection method: clinical testing. Allele origin: germline.
Comment: In summary, the available evidence is currently insufficient to determine the role of this variant in disease. Therefore, it has been classified as a Variant of Uncertain Significance. Advanced modeling of protein sequence and biophysical properties (such as structural, functional, and spatial information, amino acid conservation, physicochemical variation, residue mobility, and thermodynamic stability) performed at Invitae indicates that this missense variant is expected to disrupt COQ8A protein function. This variant has not been reported in the literature in individuals affected with COQ8A-related conditions. This variant is not present in population databases (gnomAD no frequency). This sequence change replaces glycine, which is neutral and non-polar, with cysteine, which is neutral and slightly polar, at codon 139 of the COQ8A protein (p.Gly139Cys).